The following is an entry in ClinVar:

ClinVar aggregate classification (germline): Uncertain significance (1 of 4 stars; one submission).

Conditions:
Perlman syndrome (PRLMNS). Identifiers: Orphanet 2849, MedGen C0796113, MONDO:0009965, OMIM 267000.

Allele frequency attached by ClinVar (database versions not stated): TOPMed below 0.00001; gnomAD 0.00001.
gnomAD v4.1: 1 of 1,612,918 alleles (0.000062%); highest among the groups gnomAD compares: Non-Finnish European, 0.000085%; no homozygotes.

Submission:

Labcorp Genetics (formerly Invitae), Labcorp
Classification: Uncertain significance for Perlman syndrome. Last evaluated: 2023-12-07. Review status: criteria provided, single submitter. Criteria: Invitae Variant Classification Sherloc (09022015). Collection method: clinical testing. Allele origin: germline.
Comment: This sequence change replaces proline, which is neutral and non-polar, with serine, which is neutral and polar, at codon 613 of the DIS3L2 protein (p.Pro613Ser). This variant is not present in population databases (gnomAD no frequency). This variant has not been reported in the literature in individuals affected with DIS3L2-related conditions. Advanced modeling of protein sequence and biophysical properties (such as structural, functional, and spatial information, amino acid conservation, physicochemical variation, residue mobility, and thermodynamic stability) has been performed at Invitae for this missense variant, however the output from this modeling did not meet the statistical confidence thresholds required to predict the impact of this variant on DIS3L2 protein function. In summary, the available evidence is currently insufficient to determine the role of this variant in disease. Therefore, it has been classified as a Variant of Uncertain Significance.

NM_152383.5(DIS3L2):c.1837C>T (p.Pro613Ser)

Gene: DIS3L2 (DIS3 like 3'-5' exoribonuclease 2; plus strand). Cytogenetic location: 2q37.1.
Variant type: single nucleotide variant.
Coding change: c.1837C>T on transcript NM_152383.5 (MANE Select); coding-DNA position 1837, C replaced by T.
Protein change: p.Pro613Ser; replaces proline 613 with serine.
Molecular consequence: missense variant. On other transcripts: non-coding transcript variant (2), intron variant (1).
Genome position (GRCh38, 1-based): chr2:232,329,910, C>T. VCF-style: chr2-232329910-C-T. GRCh37 (hg19) VCF-style: chr2-233194620-C-T.
Other names: c.1582-13435C>T (NM_001257281.2); short protein forms P613S.
Identifiers: ClinVar variation 2717640 (VCV002717640.3), dbSNP rs1280799612, ClinGen allele CA350976119.